The following is an entry in ClinVar:

NM_014727.3(KMT2B):c.6085A>G (p.Ser2029Gly)

Gene: KMT2B (lysine methyltransferase 2B; plus strand). Cytogenetic location: 19q13.12.
Variant type: single nucleotide variant.
Coding change: c.6085A>G on transcript NM_014727.3 (MANE Select); coding-DNA position 6085, A replaced by G.
Protein change: p.Ser2029Gly; replaces serine 2029 with glycine.
Molecular consequence: missense variant.
Genome position (GRCh38, 1-based): chr19:35,732,634, A>G. VCF-style: chr19-35732634-A-G. GRCh37 (hg19) VCF-style: chr19-36223535-A-G.
Other names: short protein forms S2029G.
Identifiers: ClinVar variation 1950662 (VCV001950662.5), dbSNP rs1969751456, ClinGen allele CA405425615.

ClinVar aggregate classification (germline): Uncertain significance (1 of 4 stars; one submission).

Allele frequency attached by ClinVar (database versions not stated): gnomAD exomes below 0.00001.
gnomAD v4.1: 1 of 1,611,156 alleles (0.000062%); highest among the groups gnomAD compares: Admixed American, 0.0017%; no homozygotes.

Submission:

Labcorp Genetics (formerly Invitae), Labcorp
Classification: Uncertain significance. Last evaluated: 2022-08-13. Review status: criteria provided, single submitter. Criteria: Invitae Variant Classification Sherloc (09022015). Collection method: clinical testing. Allele origin: germline.
Comment: In summary, the available evidence is currently insufficient to determine the role of this variant in disease. Therefore, it has been classified as a Variant of Uncertain Significance. Algorithms developed to predict the effect of missense changes on protein structure and function output the following: SIFT: "Tolerated"; PolyPhen-2: "Not Available"; Align-GVGD: "Class C0". The glycine amino acid residue is found in multiple mammalian species, which suggests that this missense change does not adversely affect protein function. This variant has not been reported in the literature in individuals affected with KMT2B-related conditions. This variant is not present in population databases (gnomAD no frequency). This sequence change replaces serine, which is neutral and polar, with glycine, which is neutral and non-polar, at codon 2029 of the KMT2B protein (p.Ser2029Gly).